The following is an entry in ClinVar:

NM_001242882.2(NAXD):c.708C>T (p.Asn236=)

Gene: NAXD (NAD(P)HX dehydratase; plus strand). Cytogenetic location: 13q34.
Variant type: single nucleotide variant.
Coding change: c.708C>T on transcript NM_001242882.2 (MANE Select); coding-DNA position 708, C replaced by T.
Protein change: p.Asn236=; no amino-acid change (asparagine 236 retained).
Molecular consequence: synonymous variant. On other transcripts: non-coding transcript variant (2).
Genome position (GRCh38, 1-based): chr13:110,635,578, C>T. VCF-style: chr13-110635578-C-T. GRCh37 (hg19) VCF-style: chr13-111287925-C-T.
Other names: c.762C>T, p.Asn254= (NM_001242881.2, NM_018210.4); c.432C>T, p.Asn144= (NM_001242883.2); c.762C>T (NM_018210.3).
Identifiers: ClinVar variation 1164878 (VCV001164878.36), dbSNP rs34104098, ClinGen allele CA7051331.

ClinVar aggregate classification (germline): Benign/Likely benign. Review status: criteria provided, multiple submitters, no conflicts (2 of 4 stars). 5 submissions from 5 submitters: Benign (2); Likely benign (2). 1 of the submissions does not count toward it. Last evaluated 2025-12-19.

Conditions:
NAXD-related disorder. Also called: NAXD-related condition.

Allele frequency attached by ClinVar (database versions not stated): gnomAD exomes 0.00064 and 0.00108; ExAC 0.00131; 1000 Genomes Project 0.00319; 1000 Genomes Project 30x 0.00344; gnomAD 0.00366 and 0.00396; TOPMed 0.00416; ESP Exome Variant Server 0.00492.
gnomAD v4.1: 1,543 of 1,614,040 alleles (0.096%); highest among the groups gnomAD compares: African/African-American, 1.2%; 4 homozygotes.

Submissions (5):

Labcorp Genetics (formerly Invitae), Labcorp
Classification: Benign. Last evaluated: 2025-12-19. Review status: criteria provided, single submitter. Criteria: Invitae Variant Classification Sherloc (09022015). Collection method: clinical testing. Allele origin: germline.

CeGaT Center for Human Genetics Tuebingen
Classification: Likely benign. Last evaluated: 2025-05-01. Review status: criteria provided, single submitter. Criteria: CeGaT Center For Human Genetics Tuebingen Variant Classification Criteria Version 2. Collection method: clinical testing. Allele origin: germline. Affected: yes. Observed: 2 variant alleles.
Comment: NAXD: BP4, BP7, BS1

Blueprint Genetics
Classification: Likely benign. Last evaluated: 2024-10-22. Review status: criteria provided, single submitter. Criteria: ACMG Guidelines, 2015. Collection method: clinical testing. Allele origin: germline.

Breakthrough Genomics
Classification: Benign. Review status: criteria provided, single submitter. Criteria: ACMG Guidelines, 2015. Collection method: not provided. Allele origin: germline. Inheritance: Autosomal recessive inheritance. Affected: yes.

PreventionGenetics, part of Exact Sciences
Classification: Benign for NAXD-related condition. Last evaluated: 2019-11-18. Review status: no assertion criteria provided. Collection method: clinical testing. Allele origin: germline. Not counted in ClinVar's aggregate classification.
Comment: This variant is classified as benign based on ACMG/AMP sequence variant interpretation guidelines (Richards et al. 2015 PMID: 25741868, with internal and published modifications).